The following is an entry in ClinVar:

NM_133443.4(GPT2):c.343C>T (p.Leu115=)

Gene: GPT2 (glutamic--pyruvic transaminase 2; plus strand). Cytogenetic location: 16q11.2.
Variant type: single nucleotide variant.
Coding change: c.343C>T on transcript NM_133443.4 (MANE Select); coding-DNA position 343, C replaced by T.
Protein change: p.Leu115=; no amino-acid change (leucine 115 retained).
Molecular consequence: synonymous variant.
Genome position (GRCh38, 1-based): chr16:46,900,691, C>T. VCF-style: chr16-46900691-C-T. GRCh37 (hg19) VCF-style: chr16-46934603-C-T.
Other names: c.43C>T, p.Leu15= (NM_001142466.3).
Identifiers: ClinVar variation 730017 (VCV000730017.6), dbSNP rs115740639, ClinGen allele CA8038574.

ClinVar aggregate classification (germline): Benign. Review status: criteria provided, multiple submitters, no conflicts (2 of 4 stars). 3 submissions from 3 submitters: Benign (2). 1 of the submissions does not count toward it. Last evaluated 2019-12-31.

Conditions:
GPT2-related disorder. Also called: GPT2-related condition.

Allele frequency attached by ClinVar (database versions not stated): gnomAD exomes 0.00020 and 0.00056; ExAC 0.00060; gnomAD 0.00214 and 0.00230; TOPMed 0.00258; 1000 Genomes Project 0.00260; ESP Exome Variant Server 0.00261; 1000 Genomes Project 30x 0.00265.
gnomAD v4.1: 649 of 1,613,762 alleles (0.04%); highest among the groups gnomAD compares: African/African-American, 0.73%; 3 homozygotes.

Submissions (3):

Labcorp Genetics (formerly Invitae), Labcorp
Classification: Benign. Last evaluated: 2019-12-31. Review status: criteria provided, single submitter. Criteria: Invitae Variant Classification Sherloc (09022015). Collection method: clinical testing. Allele origin: germline.

Breakthrough Genomics
Classification: Benign. Review status: criteria provided, single submitter. Criteria: ACMG Guidelines, 2015. Collection method: not provided. Allele origin: germline. Inheritance: Autosomal recessive inheritance. Affected: yes.

PreventionGenetics, part of Exact Sciences
Classification: Benign for GPT2-related condition. Last evaluated: 2024-09-04. Review status: no assertion criteria provided. Collection method: clinical testing. Allele origin: germline. Not counted in ClinVar's aggregate classification.
Comment: This variant is classified as benign based on ACMG/AMP sequence variant interpretation guidelines (Richards et al. 2015 PMID: 25741868, with internal and published modifications).